The following is an entry in ClinVar:

ClinVar aggregate classification (germline): Uncertain significance. Review status: criteria provided, multiple submitters, no conflicts (2 of 4 stars). 2 submissions from 2 submitters: Uncertain significance (2). Last evaluated 2022-10-15.

Allele frequency attached by ClinVar (database versions not stated): TOPMed below 0.00001; gnomAD exomes 0.00001.
gnomAD v4.1: 3 of 1,585,764 alleles (0.00019%); highest among the groups gnomAD compares: Admixed American, 0.005%; no homozygotes.

Submissions (2):

Blueprint Genetics
Classification: Uncertain significance. Last evaluated: 2022-10-15. Review status: criteria provided, single submitter. Criteria: ACMG Guidelines, 2015. Collection method: clinical testing. Allele origin: germline.

Labcorp Genetics (formerly Invitae), Labcorp
Classification: Uncertain significance. Last evaluated: 2022-07-05. Review status: criteria provided, single submitter. Criteria: Invitae Variant Classification Sherloc (09022015). Collection method: clinical testing. Allele origin: germline.
Comment: This variant has not been reported in the literature in individuals affected with PCARE-related conditions. In summary, the available evidence is currently insufficient to determine the role of this variant in disease. Therefore, it has been classified as a Variant of Uncertain Significance. Algorithms developed to predict the effect of missense changes on protein structure and function (SIFT, PolyPhen-2, Align-GVGD) all suggest that this variant is likely to be disruptive. ClinVar contains an entry for this variant (Variation ID: 1447841). This variant is present in population databases (no rsID available, gnomAD 0.006%). This sequence change replaces proline, which is neutral and non-polar, with serine, which is neutral and polar, at codon 1074 of the PCARE protein (p.Pro1074Ser).

NM_001029883.3(PCARE):c.3220C>T (p.Pro1074Ser)

Gene: PCARE (photoreceptor cilium actin regulator; minus strand). Cytogenetic location: 2p23.2.
Variant type: single nucleotide variant.
Coding change: c.3220C>T on transcript NM_001029883.3 (MANE Select); coding-DNA position 3220, C replaced by T.
Protein change: p.Pro1074Ser; replaces proline 1074 with serine.
Molecular consequence: missense variant.
Genome position (GRCh38, 1-based): chr2:29,071,042, G>A on the plus strand (C>T on the coding strand, the complement: PCARE is on the minus strand). VCF-style: chr2-29071042-G-A. GRCh37 (hg19) VCF-style: chr2-29293908-G-A.
Other names: short protein forms P1074S.
Identifiers: ClinVar variation 1447841 (VCV001447841.9), dbSNP rs1299381541, ClinGen allele CA346475567.